The following is an entry in ClinVar:

NM_001330588.2(TPP2):c.3244C>T (p.Arg1082Ter)

Gene: TPP2 (tripeptidyl peptidase 2; plus strand). Cytogenetic location: 13q33.1.
Variant type: single nucleotide variant.
Coding change: c.3244C>T on transcript NM_001330588.2 (MANE Select); coding-DNA position 3244, C replaced by T.
Protein change: p.Arg1082Ter; replaces arginine 1082 with a stop codon.
Molecular consequence: nonsense. On other transcripts: non-coding transcript variant (1).
Genome position (GRCh38, 1-based): chr13:102,664,798, C>T. VCF-style: chr13-102664798-C-T. GRCh37 (hg19) VCF-style: chr13-103317148-C-T.
Other names: c.3205C>T, p.Arg1069Ter (NM_001367947.1, NM_003291.4); short protein forms R1069*, R1082*.
Identifiers: ClinVar variation 2880480 (VCV002880480.3), dbSNP rs772169780, ClinGen allele CA7038240.

ClinVar aggregate classification (germline): Pathogenic (1 of 4 stars; one submission).

Conditions:
Evans syndrome, immunodeficiency, and premature immunosenescence associated with tripeptidyl-peptidase II deficiency. Identifiers: MedGen CN231723. Disease mechanism: loss of function.

Allele frequency attached by ClinVar (database versions not stated): gnomAD exomes below 0.00001; ExAC 0.00001.

Submission:

Labcorp Genetics (formerly Invitae), Labcorp
Classification: Pathogenic for Evans syndrome, immunodeficiency, and premature immunosenescence associated with tripeptidyl-peptidase II deficiency. Last evaluated: 2023-05-12. Review status: criteria provided, single submitter. Criteria: Invitae Variant Classification Sherloc (09022015). Collection method: clinical testing. Allele origin: germline.
Comment: For these reasons, this variant has been classified as Pathogenic. This variant has not been reported in the literature in individuals affected with TPP2-related conditions. This variant is present in population databases (rs772169780, gnomAD 0.003%). This sequence change creates a premature translational stop signal (p.Arg1069*) in the TPP2 gene. It is expected to result in an absent or disrupted protein product. Loss-of-function variants in TPP2 are known to be pathogenic (PMID: 25414442).

Literature cited by the submitters: PubMed 25414442.